The following is an entry in ClinVar:

NM_152594.3(SPRED1):c.339T>G (p.Asp113Glu)

Gene: SPRED1 (sprouty related EVH1 domain containing 1; plus strand). Cytogenetic location: 15q14.
Variant type: single nucleotide variant.
Coding change: c.339T>G on transcript NM_152594.3 (MANE Select); coding-DNA position 339, T replaced by G.
Protein change: p.Asp113Glu; replaces aspartic acid 113 with glutamic acid.
Molecular consequence: missense variant.
Genome position (GRCh38, 1-based): chr15:38,322,372, T>G. VCF-style: chr15-38322372-T-G. GRCh37 (hg19) VCF-style: chr15-38614573-T-G.
Other names: short protein forms D113E.
Identifiers: ClinVar variation 3800926 (VCV003800926.1).

ClinVar aggregate classification (germline): Uncertain significance (1 of 4 stars; one submission).

Conditions:
Cardiovascular phenotype. Identifiers: MedGen CN230736.

Submission:

Ambry Genetics
Classification: Uncertain significance for Cardiovascular phenotype. Last evaluated: 2025-02-21. Review status: criteria provided, single submitter. Criteria: Ambry Variant Classification Scheme 2023. Collection method: clinical testing. Allele origin: germline.
Comment: The p.D113E variant (also known as c.339T>G), located in coding exon 3 of the SPRED1 gene, results from a T to G substitution at nucleotide position 339. The aspartic acid at codon 113 is replaced by glutamic acid, an amino acid with highly similar properties. This amino acid position is conserved. In addition, this alteration is predicted to be deleterious by in silico analysis. Based on the available evidence, the clinical significance of this variant remains unclear.